The following is an entry in ClinVar:

ClinVar aggregate classification (germline): Pathogenic (1 of 4 stars; one submission).

Conditions:
Bloom syndrome (BLM). Also called: Bloom-Torre-Machacek syndrome. Identifiers: Orphanet 125, MedGen C0005859, MONDO:0008876, OMIM 210900.

Submission:

Labcorp Genetics (formerly Invitae), Labcorp
Classification: Pathogenic for Bloom syndrome. Last evaluated: 2022-08-19. Review status: criteria provided, single submitter. Criteria: Invitae Variant Classification Sherloc (09022015). Collection method: clinical testing. Allele origin: germline.
Comment: This sequence change creates a premature translational stop signal (p.Leu1253*) in the BLM gene. It is expected to result in an absent or disrupted protein product. Loss-of-function variants in BLM are known to be pathogenic (PMID: 17407155). This variant is not present in population databases (gnomAD no frequency). This variant has not been reported in the literature in individuals affected with BLM-related conditions. ClinVar contains an entry for this variant (Variation ID: 1432221). For these reasons, this variant has been classified as Pathogenic.

Literature cited by the submitters: PubMed 17407155.

NM_000057.4(BLM):c.3758T>G (p.Leu1253Ter)

Gene: BLM (BLM RecQ like helicase; plus strand). Cytogenetic location: 15q26.1.
Variant type: single nucleotide variant.
Coding change: c.3758T>G on transcript NM_000057.4 (MANE Select); coding-DNA position 3758, T replaced by G.
Protein change: p.Leu1253Ter; replaces leucine 1253 with a stop codon.
Molecular consequence: nonsense.
Genome position (GRCh38, 1-based): chr15:90,809,143, T>G. VCF-style: chr15-90809143-T-G. GRCh37 (hg19) VCF-style: chr15-91352373-T-G.
Other names: c.3758T>G, p.Leu1253Ter (NM_001287246.2); c.3365T>G, p.Leu1122Ter (NM_001287247.2); c.2633T>G, p.Leu878Ter (NM_001287248.2); short protein forms L1253*, L1122*, L878*.
Identifiers: ClinVar variation 1432221 (VCV001432221.6), dbSNP rs2151198266, ClinGen allele CA393849596.
Genomic context (GRCh38, chr15:90,809,143, plus strand): 5'-AGTGGGTTTTCTATGGGTGATAATTTAAATTCCTAATTTTATGCCTTTGCACAGAATCTT[T>G]ATCTTCTGATCCTGAGGTTTTGCTTCAAATTGATGGTGTTACTGAAGACAAACTGGAAAA-3'